The following is an entry in ClinVar:

NM_138420.4(AHNAK2):c.9624C>T (p.Asp3208=)

Gene: AHNAK2 (AHNAK nucleoprotein 2; minus strand). Cytogenetic location: 14q32.33.
Variant type: single nucleotide variant.
Coding change: c.9624C>T on transcript NM_138420.4 (MANE Select); coding-DNA position 9624, C replaced by T.
Protein change: p.Asp3208=; no amino-acid change (aspartic acid 3208 retained).
Molecular consequence: synonymous variant.
Genome position (GRCh38, 1-based): chr14:104,945,827, G>A on the plus strand (C>T on the coding strand, the complement: AHNAK2 is on the minus strand). VCF-style: chr14-104945827-G-A. GRCh37 (hg19) VCF-style: chr14-105412164-G-A.
Other names: c.9324C>T, p.Asp3108= (NM_001350929.2).
Identifiers: ClinVar variation 2644687 (VCV002644687.24), dbSNP rs546983396, ClinGen allele CA7379550.

ClinVar aggregate classification (germline): Likely benign (1 of 4 stars; one submission).

Allele frequency attached by ClinVar (database versions not stated): gnomAD 0.00005; ExAC 0.00008; 1000 Genomes Project 0.00040; 1000 Genomes Project 30x 0.00047.

Submission:

CeGaT Center for Human Genetics Tuebingen
Classification: Likely benign. Last evaluated: 2022-04-01. Review status: criteria provided, single submitter. Criteria: CeGaT Center For Human Genetics Tuebingen Variant Classification Criteria Version 2. Collection method: clinical testing. Allele origin: germline. Affected: yes. Observed: 1 variant allele.
Comment: AHNAK2: BP4, BP7